The following is an entry in ClinVar:

NM_001048174.2(MUTYH):c.1426A>C (p.Thr476Pro)

Gene: MUTYH (mutY DNA glycosylase; minus strand). Cytogenetic location: 1p34.1.
Variant type: single nucleotide variant.
Coding change: c.1426A>C on transcript NM_001048174.2 (MANE Select); coding-DNA position 1426, A replaced by C.
Protein change: p.Thr476Pro; replaces threonine 476 with proline.
Molecular consequence: missense variant. On other transcripts: non-coding transcript variant (7).
Genome position (GRCh38, 1-based): chr1:45,330,524, T>G on the plus strand (A>C on the coding strand, the complement: MUTYH is on the minus strand). VCF-style: chr1-45330524-T-G. GRCh37 (hg19) VCF-style: chr1-45796196-T-G.
Other names: c.1501A>C, p.Thr501Pro (NM_012222.3); c.1426A>C, p.Thr476Pro (NM_001048171.2, NM_001048173.2, NM_001293195.2 and 6 more transcripts); c.1429A>C, p.Thr477Pro (NM_001048172.2, NM_001407071.1, NM_001407078.1 and 1 more transcripts); c.1510A>C, p.Thr504Pro (NM_001128425.2); c.1471A>C, p.Thr491Pro (NM_001293190.2); c.1459A>C, p.Thr487Pro (NM_001293191.2, NM_001407069.1, NM_001407077.1); c.1150A>C, p.Thr384Pro (NM_001293192.2, NM_001293196.2, NM_001407091.1); c.1081A>C, p.Thr361Pro (NM_001350650.2, NM_001350651.2, NM_001407082.1); and 5 more; short protein forms T361P, T477P, T504P, T384P, T490P, T501P, T476P, T483P.
Identifiers: ClinVar variation 4113302 (VCV004113302.1).

ClinVar aggregate classification (germline): Uncertain significance (1 of 4 stars; one submission).

Conditions:
Hereditary cancer-predisposing syndrome. Also called: Tumor predisposition; Neoplastic Syndromes, Hereditary; Hereditary neoplastic syndrome; Hereditary Cancer Syndrome. Identifiers: Orphanet 140162, MedGen C0027672, MeSH D009386, MONDO:0015356.

Submission:

Ambry Genetics
Classification: Uncertain significance for Hereditary cancer-predisposing syndrome. Last evaluated: 2025-08-27. Review status: criteria provided, single submitter. Criteria: Ambry Variant Classification Scheme 2023. Collection method: clinical testing. Allele origin: germline.
Comment: The p.T504P variant (also known as c.1510A>C), located in coding exon 15 of the MUTYH gene, results from an A to C substitution at nucleotide position 1510. The threonine at codon 504 is replaced by proline, an amino acid with highly similar properties. This amino acid position is conserved. In addition, this alteration is predicted to be tolerated by in silico analysis. Based on the available evidence, the clinical significance of this variant remains unclear.